The following is an entry in ClinVar:

NM_004004.6(GJB2):c.8G>C (p.Trp3Ser)

Gene: GJB2 (gap junction protein beta 2; minus strand). Cytogenetic location: 13q12.11.
Variant type: single nucleotide variant.
Coding change: c.8G>C on transcript NM_004004.6 (MANE Select); coding-DNA position 8, G replaced by C.
Protein change: p.Trp3Ser; replaces tryptophan 3 with serine.
Molecular consequence: missense variant.
Genome position (GRCh38, 1-based): chr13:20,189,574, C>G on the plus strand (G>C on the coding strand, the complement: GJB2 is on the minus strand). VCF-style: chr13-20189574-C-G. GRCh37 (hg19) VCF-style: chr13-20763713-C-G.
Other names: short protein forms W3S.
Identifiers: ClinVar variation 2575784 (VCV002575784.1), dbSNP rs2500253823, ClinGen allele CA387462281.
Genomic context (GRCh38, chr13:20,189,574, plus strand): 5'-ATCTTTCCAATGCTGGTGGAGTGTTTGTTCACACCCCCCAGGATCGTCTGCAGCGTGCCC[C>G]AATCCATCTTCTACTCTGGGCGGTTTGCTCTGGAAAAGACGAATGCACACAACACAGGAA-3'
Protein context (NP_003995.2, residues 1-13): MD[Trp3Ser]GTLQTILGGV

ClinVar aggregate classification (germline): Uncertain significance (1 of 4 stars; one submission).

Submission:

GeneDx
Classification: Uncertain significance. Last evaluated: 2023-02-08. Review status: criteria provided, single submitter. Criteria: GeneDx Variant Classification Process June 2021. Collection method: clinical testing. Allele origin: germline. Affected: yes.
Comment: Not observed at significant frequency in large population cohorts (gnomAD); In silico analysis supports that this missense variant has a deleterious effect on protein structure/function; Has not been previously published as pathogenic or benign to our knowledge